The following is an entry in ClinVar:

NM_002230.4(JUP):c.884T>C (p.Leu295Pro)

Gene: JUP (junction plakoglobin; minus strand). Cytogenetic location: 17q21.2.
Variant type: single nucleotide variant.
Coding change: c.884T>C on transcript NM_002230.4 (MANE Select); coding-DNA position 884, T replaced by C.
Protein change: p.Leu295Pro; replaces leucine 295 with proline.
Molecular consequence: missense variant.
Genome position (GRCh38, 1-based): chr17:41,767,404, A>G on the plus strand (T>C on the coding strand, the complement: JUP is on the minus strand). VCF-style: chr17-41767404-A-G. GRCh37 (hg19) VCF-style: chr17-39923656-A-G.
Other names: c.884T>C, p.Leu295Pro (NM_001352773.2, NM_001352774.2, NM_001352775.2 and 3 more transcripts); short protein forms L295P.
Identifiers: ClinVar variation 855662 (VCV000855662.14), dbSNP rs1567815863, ClinGen allele CA399500634.
Genomic context (GRCh38, chr17:41,767,404, plus strand): 5'-GGCTTCAGGCCTCGGGAGAGTTGGGGAGGGCCCACCTTGCTCTCCTGGTTGCCGTAGGCC[A>G]GGAGCTGCAGGCAGTCGGTGGTGATGGCCAGGAACTTGGGGTTGTTCTTGTTGAGCAGGG-3'
Protein context (NP_002221.1, residues 285-305): LAITTDCLQL[Leu295Pro]AYGNQESKLI

ClinVar aggregate classification (germline): Uncertain significance. Review status: criteria provided, multiple submitters, no conflicts (2 of 4 stars). 4 submissions from 4 submitters: Uncertain significance (4). Last evaluated 2025-06-22.

Conditions:
Cardiovascular phenotype. Identifiers: MedGen CN230736.
Naxos disease (NXD). Also called: KERATOSIS PALMOPLANTARIS WITH ARRHYTHMOGENIC CARDIOMYOPATHY; MAL DE NAXOS; PALMOPLANTAR KERATODERMA WITH ARRHYTHMOGENIC RIGHT VENTRICULAR CARDIOMYOPATHY AND WOOLLY HAIR; CARDIOMYOPATHY, ARRHYTHMOGENIC RIGHT VENTRICULAR, WITH SKIN, HAIR, AND NAIL ABNORMALITIES; WOOLLY HAIR, PALMOPLANTAR KERATODERMA, AND CARDIAC ABNORMALITIES. Identifiers: Orphanet 34217, MedGen C1832600, MONDO:0011017, OMIM 601214.
Arrhythmogenic right ventricular dysplasia 12. Also called: ARRHYTHMOGENIC RIGHT VENTRICULAR DYSPLASIA, FAMILIAL, 12. Identifiers: MedGen C1969081, MONDO:0012684, OMIM 611528.

Allele frequency attached by ClinVar (database versions not stated): gnomAD 0.00001; gnomAD exomes 0.00001; TOPMed 0.00001.
gnomAD v4.1: 18 of 1,614,080 alleles (0.0011%); highest among the groups gnomAD compares: Non-Finnish European, 0.0014%; no homozygotes.

Submissions (4):

Victorian Clinical Genetics Services, Murdoch Childrens Research Institute
Classification: Uncertain significance for Arrhythmogenic right ventricular dysplasia 12. Last evaluated: 2025-06-22. Review status: criteria provided, single submitter. Criteria: ACMG Guidelines, 2015. Collection method: clinical testing. Allele origin: germline. Affected: yes.
Comment: This variant is classified as VUS-3A. Evidence in support of pathogenic classification: Variant is present in gnomAD <0.01 (v4: 18 heterozygote(s), 0 homozygote(s)); Missense variant predicted to be damaging by in silico tool(s) or highly conserved with a major amino acid change. Additional information: Variant is predicted to result in a missense amino acid change from Leu to Pro; This variant is heterozygous; This gene is associated with both recessive and dominant disease. Arrhythmogenic right ventricular dysplasia 12 (MIM#611528) is associated with dominant inheritance, while Naxos disease (MIM#601214) is associated with recessive inheritance (OMIM); Previous evidence of pathogenicity for this variant is inconclusive. This variant has been classified a VUS by two clinical laboratories in ClinVar, and was also considered a VUS in an individual reported in the literature who suffered a sudden cardiac death (PMID: 37614113); No published evidence of segregation with disease has been identified for this variant; No published functional evidence has been identified for this variant; No comparable missense variants have previous evidence for pathogenicity; Variant is not located in an established domain, motif, hotspot or informative constraint region; Loss of function is a known mechanism of disease in this gene and is associated with arrhythmogenic right ventricular dysplasia 12 (MIM#611528) and Naxos disease (MIM#601214); Inheritance information for this variant is not currently available in this individual.

Blueprint Genetics
Classification: Uncertain significance. Last evaluated: 2024-01-22. Review status: criteria provided, single submitter. Criteria: ACMG Guidelines, 2015. Collection method: clinical testing. Allele origin: germline.

Ambry Genetics
Classification: Uncertain significance for Cardiovascular phenotype. Last evaluated: 2021-11-09. Review status: criteria provided, single submitter. Criteria: Ambry Variant Classification Scheme 2023. Collection method: clinical testing. Allele origin: germline.
Comment: The p.L295P variant (also known as c.884T>C), located in coding exon 4 of the JUP gene, results from a T to C substitution at nucleotide position 884. The leucine at codon 295 is replaced by proline, an amino acid with similar properties. This amino acid position is conserved. In addition, this alteration is predicted to be deleterious by in silico analysis. Since supporting evidence is limited at this time, the clinical significance of this alteration remains unclear.

Labcorp Genetics (formerly Invitae), Labcorp
Classification: Uncertain significance for Arrhythmogenic right ventricular dysplasia 12; Naxos disease. Last evaluated: 2019-02-05. Review status: criteria provided, single submitter. Criteria: Invitae Variant Classification Sherloc (09022015). Collection method: clinical testing. Allele origin: germline.
Comment: In summary, the available evidence is currently insufficient to determine the role of this variant in disease. Therefore, it has been classified as a Variant of Uncertain Significance. Algorithms developed to predict the effect of missense changes on protein structure and function are either unavailable or do not agree on the potential impact of this missense change (SIFT: "Deleterious"; PolyPhen-2: "Probably Damaging"; Align-GVGD: "Class C0"). This variant has not been reported in the literature in individuals with JUP-related conditions. This variant is not present in population databases (ExAC no frequency). This sequence change replaces leucine with proline at codon 295 of the JUP protein (p.Leu295Pro). The leucine residue is highly conserved and there is a moderate physicochemical difference between leucine and proline.

Literature cited by the submitters: PubMed 37614113 (cited by Victorian Clinical Genetics Services, Murdoch Childrens Research Institute).